The following is an entry in ClinVar:

NM_015338.6(ASXL1):c.451A>G (p.Ser151Gly)

Gene: ASXL1 (ASXL transcriptional regulator 1; plus strand). Cytogenetic location: 20q11.21.
Variant type: single nucleotide variant.
Coding change: c.451A>G on transcript NM_015338.6 (MANE Select); coding-DNA position 451, A replaced by G.
Protein change: p.Ser151Gly; replaces serine 151 with glycine.
Molecular consequence: missense variant.
Genome position (GRCh38, 1-based): chr20:32,428,402, A>G. VCF-style: chr20-32428402-A-G. GRCh37 (hg19) VCF-style: chr20-31016205-A-G.
Other names: c.421A>G, p.Ser141Gly (NM_001363734.1); short protein forms S151G, S141G.
Identifiers: ClinVar variation 2960753 (VCV002960753.4), dbSNP rs767904889, ClinGen allele CA9808088.

ClinVar aggregate classification (germline): Conflicting classifications of pathogenicity. Review status: criteria provided, conflicting classifications (1 of 4 stars). 2 submissions from 2 submitters: Uncertain significance (1); Likely benign (1). Last evaluated 2024-12-16.

Conditions:
Inborn genetic diseases. Identifiers: MedGen C0950123, MeSH D030342.

Allele frequency attached by ClinVar (database versions not stated): ExAC 0.00001; gnomAD exomes 0.00001; gnomAD 0.00002; TOPMed 0.00002.
gnomAD v4.1: 23 of 1,613,420 alleles (0.0014%); highest among the groups gnomAD compares: Non-Finnish European, 0.0019%; no homozygotes.

Submissions (2):

Ambry Genetics
Classification: Likely benign for Inborn genetic diseases. Last evaluated: 2024-12-16. Review status: criteria provided, single submitter. Criteria: Ambry Variant Classification Scheme 2023. Collection method: clinical testing. Allele origin: germline.

Labcorp Genetics (formerly Invitae), Labcorp
Classification: Uncertain significance. Last evaluated: 2023-05-05. Review status: criteria provided, single submitter. Criteria: Invitae Variant Classification Sherloc (09022015). Collection method: clinical testing. Allele origin: germline.
Comment: An algorithm developed to predict the effect of missense changes on protein structure and function (PolyPhen-2) suggests that this variant is likely to be tolerated. This variant has not been reported in the literature in individuals affected with ASXL1-related conditions. This variant is present in population databases (rs767904889, gnomAD 0.004%). This sequence change replaces serine, which is neutral and polar, with glycine, which is neutral and non-polar, at codon 151 of the ASXL1 protein (p.Ser151Gly). In summary, the available evidence is currently insufficient to determine the role of this variant in disease. Therefore, it has been classified as a Variant of Uncertain Significance.